The following is an entry in ClinVar:

NM_001378778.1(MPDZ):c.6127C>T (p.Gln2043Ter)

Gene: MPDZ (multiple PDZ domain crumbs cell polarity complex component; minus strand). Cytogenetic location: 9p23.
Variant type: single nucleotide variant.
Coding change: c.6127C>T on transcript NM_001378778.1 (MANE Select); coding-DNA position 6127, C replaced by T.
Protein change: p.Gln2043Ter; replaces glutamine 2043 with a stop codon.
Molecular consequence: nonsense.
Genome position (GRCh38, 1-based): chr9:13,107,051, G>A on the plus strand (C>T on the coding strand, the complement: MPDZ is on the minus strand). VCF-style: chr9-13107051-G-A. GRCh37 (hg19) VCF-style: chr9-13107050-G-A.
Other names: c.6028C>T, p.Gln2010Ter (NM_001261406.2, NM_001375416.1, NM_001375417.1 and 1 more transcripts); c.5941C>T, p.Gln1981Ter (NM_001261407.2, NM_001375419.1); c.6127C>T, p.Gln2043Ter (NM_001330637.2); c.6226C>T, p.Gln2076Ter (NM_001375413.1); c.5917C>T, p.Gln1973Ter (NM_001375420.1, NM_001375421.1, NM_001375422.1 and 2 more transcripts); c.5830C>T, p.Gln1944Ter (NM_001375425.1, NM_001375426.1); c.5719C>T, p.Gln1907Ter (NM_001375427.1); c.6040C>T, p.Gln2014Ter (NM_003829.5); short protein forms Q1907*, Q1981*, Q2014*, Q2076*, Q1973*, Q2043*, Q1944*, Q2010*.
Identifiers: ClinVar variation 1363632 (VCV001363632.6), dbSNP rs765649084, ClinGen allele CA4985943.

ClinVar aggregate classification (germline): Uncertain significance (1 of 4 stars; one submission).

Allele frequency attached by ClinVar (database versions not stated): gnomAD exomes below 0.00001; ExAC 0.00001; gnomAD 0.00001; TOPMed 0.00002.
gnomAD v4.1: 13 of 1,610,082 alleles (0.00081%); highest among the groups gnomAD compares: Non-Finnish European, 0.001%; no homozygotes.

Submission:

Labcorp Genetics (formerly Invitae), Labcorp
Classification: Uncertain significance. Last evaluated: 2022-08-09. Review status: criteria provided, single submitter. Criteria: Invitae Variant Classification Sherloc (09022015). Collection method: clinical testing. Allele origin: germline.
Comment: This sequence change creates a premature translational stop signal (p.Gln2014*) in the MPDZ gene. While this is not anticipated to result in nonsense mediated decay, it is expected to disrupt the last 28 amino acid(s) of the MPDZ protein. Experimental studies and prediction algorithms are not available or were not evaluated, and the functional significance of this variant is currently unknown. In summary, the available evidence is currently insufficient to determine the role of this variant in disease. Therefore, it has been classified as a Variant of Uncertain Significance. This variant is present in population databases (rs765649084, gnomAD 0.0009%). This variant has not been reported in the literature in individuals affected with MPDZ-related conditions. ClinVar contains an entry for this variant (Variation ID: 1363632).